The following is an entry in ClinVar:

NM_003995.4(NPR2):c.2414T>A (p.Met805Lys)

Gene: NPR2 (natriuretic peptide receptor 2; plus strand). Cytogenetic location: 9p13.3.
Variant type: single nucleotide variant.
Coding change: c.2414T>A on transcript NM_003995.4 (MANE Select); coding-DNA position 2414, T replaced by A.
Protein change: p.Met805Lys; replaces methionine 805 with lysine.
Molecular consequence: missense variant.
Genome position (GRCh38, 1-based): chr9:35,806,433, T>A. VCF-style: chr9-35806433-T-A. GRCh37 (hg19) VCF-style: chr9-35806430-T-A.
Other names: c.2423T>A, p.Met808Lys (NM_001378923.1); short protein forms M808K, M805K.
Identifiers: ClinVar variation 2928380 (VCV002928380.3), dbSNP rs2491063718, ClinGen allele CA373379733.
Genomic context (GRCh38, chr9:35,806,433, plus strand): 5'-TATCCTGGCCTCCCTCTAGGGAGGGTGGCACCAGCATATTGGACAACCTCCTGCTGCGCA[T>A]GGAACAGTATGCCAATAACTTGGAGAAGCTGGTGGAGGAACGCACACAGGCCTATCTGGA-3'
Protein context (NP_003986.2, residues 795-815): TSILDNLLLR[Met805Lys]EQYANNLEKL

ClinVar aggregate classification (germline): Uncertain significance (1 of 4 stars; one submission).

Conditions:
Acromesomelic dysplasia 1, Maroteaux type (AMD1). Also called: ACROMESOMELIC DYSPLASIA 1; ST. HELENA DYSPLASIA. Identifiers: Orphanet 40, MedGen C1864356, MONDO:0011275, OMIM 602875.
Tall stature-scoliosis-macrodactyly of the great toes syndrome. Also called: Epiphyseal chondrodysplasia, miura type. Identifiers: Orphanet 329191, MedGen C4014690, MONDO:0014401, OMIM 615923.

Submission:

Labcorp Genetics (formerly Invitae), Labcorp
Classification: Uncertain significance for Tall stature-scoliosis-macrodactyly of the great toes syndrome; Acromesomelic dysplasia 1, Maroteaux type. Last evaluated: 2023-07-12. Review status: criteria provided, single submitter. Criteria: Invitae Variant Classification Sherloc (09022015). Collection method: clinical testing. Allele origin: germline.
Comment: In summary, the available evidence is currently insufficient to determine the role of this variant in disease. Therefore, it has been classified as a Variant of Uncertain Significance. Advanced modeling of protein sequence and biophysical properties (such as structural, functional, and spatial information, amino acid conservation, physicochemical variation, residue mobility, and thermodynamic stability) performed at Invitae indicates that this missense variant is expected to disrupt NPR2 protein function. This variant has not been reported in the literature in individuals affected with NPR2-related conditions. This variant is not present in population databases (gnomAD no frequency). This sequence change replaces methionine, which is neutral and non-polar, with lysine, which is basic and polar, at codon 805 of the NPR2 protein (p.Met805Lys).